The following is an entry in ClinVar:

NM_006231.4(POLE):c.4334G>A (p.Cys1445Tyr)

Gene: POLE (DNA polymerase epsilon, catalytic subunit; minus strand). Cytogenetic location: 12q24.33.
Variant type: single nucleotide variant.
Coding change: c.4334G>A on transcript NM_006231.4 (MANE Select); coding-DNA position 4334, G replaced by A.
Protein change: p.Cys1445Tyr; replaces cysteine 1445 with tyrosine.
Molecular consequence: missense variant.
Genome position (GRCh38, 1-based): chr12:132,643,517, C>T on the plus strand (G>A on the coding strand, the complement: POLE is on the minus strand). VCF-style: chr12-132643517-C-T. GRCh37 (hg19) VCF-style: chr12-133220103-C-T.
Other names: c.4334G>A (NM_006231.2); short protein forms C1445Y.
Identifiers: ClinVar variation 941407 (VCV000941407.11), dbSNP rs1441772920, ClinGen allele CA387381438.

ClinVar aggregate classification (germline): Uncertain significance. Review status: criteria provided, multiple submitters, no conflicts (2 of 4 stars). 2 submissions from 2 submitters: Uncertain significance (2). Last evaluated 2023-07-17.

Conditions:
Hereditary cancer-predisposing syndrome. Also called: Hereditary neoplastic syndrome; Neoplastic Syndromes, Hereditary; Tumor predisposition; Hereditary Cancer Syndrome. Identifiers: Orphanet 140162, MedGen C0027672, MeSH D009386, MONDO:0015356.

Submissions (2):

Ambry Genetics
Classification: Uncertain significance for Hereditary cancer-predisposing syndrome. Last evaluated: 2023-07-17. Review status: criteria provided, single submitter. Criteria: Ambry Variant Classification Scheme 2023. Collection method: clinical testing. Allele origin: germline.
Comment: The p.C1445Y variant (also known as c.4334G>A), located in coding exon 34 of the POLE gene, results from a G to A substitution at nucleotide position 4334. The cysteine at codon 1445 is replaced by tyrosine, an amino acid with highly dissimilar properties. This amino acid position is conserved. In addition, this alteration is predicted to be deleterious by in silico analysis. Since supporting evidence is limited at this time, the clinical significance of this alteration remains unclear.

Labcorp Genetics (formerly Invitae), Labcorp
Classification: Uncertain significance. Last evaluated: 2020-12-09. Review status: criteria provided, single submitter. Criteria: Invitae Variant Classification Sherloc (09022015). Collection method: clinical testing. Allele origin: germline.
Comment: In summary, the available evidence is currently insufficient to determine the role of this variant in disease. Therefore, it has been classified as a Variant of Uncertain Significance. Algorithms developed to predict the effect of missense changes on protein structure and function are either unavailable or do not agree on the potential impact of this missense change (SIFT: "Deleterious"; PolyPhen-2: "Possibly Damaging"; Align-GVGD: "Class C0"). This sequence change replaces cysteine with tyrosine at codon 1445 of the POLE protein (p.Cys1445Tyr). The cysteine residue is moderately conserved and there is a large physicochemical difference between cysteine and tyrosine. This variant is not present in population databases (ExAC no frequency). This variant has not been reported in the literature in individuals with POLE-related conditions. ClinVar contains an entry for this variant (Variation ID: 941407).